The following is an entry in ClinVar:

ClinVar aggregate classification (germline): Uncertain significance. Review status: criteria provided, multiple submitters, no conflicts (2 of 4 stars). 2 submissions from 2 submitters: Uncertain significance (2). Last evaluated 2025-06-18.

Conditions:
Inborn genetic diseases. Identifiers: MedGen C0950123, MeSH D030342.
Infantile-onset ascending hereditary spastic paralysis (IAHSP). Also called: Autosomal Recessive Juvenile Amyotrophic Lateral Sclerosis; Infantile-Onset Ascending Hereditary Spastic Paralysis (IAHSP). Identifiers: Orphanet 293168, MedGen C2931441, MONDO:0011797, OMIM 607225. Disease mechanism: loss of function.

Allele frequency attached by ClinVar (database versions not stated): gnomAD exomes 0.00001; ExAC 0.00002; TOPMed 0.00002; gnomAD 0.00003; ESP Exome Variant Server 0.00008.
gnomAD v4.1: 204 of 1,614,044 alleles (0.013%); highest among the groups gnomAD compares: Non-Finnish European, 0.017%; no homozygotes.

Submissions (2):

Ambry Genetics
Classification: Uncertain significance for Inborn genetic diseases. Last evaluated: 2025-06-18. Review status: criteria provided, single submitter. Criteria: Ambry Variant Classification Scheme 2023. Collection method: clinical testing. Allele origin: germline.

Labcorp Genetics (formerly Invitae), Labcorp
Classification: Uncertain significance for Infantile-onset ascending hereditary spastic paralysis. Last evaluated: 2021-08-28. Review status: criteria provided, single submitter. Criteria: Invitae Variant Classification Sherloc (09022015). Collection method: clinical testing. Allele origin: germline.
Comment: This sequence change replaces serine with phenylalanine at codon 319 of the ALS2 protein (p.Ser319Phe). The serine residue is weakly conserved and there is a large physicochemical difference between serine and phenylalanine. This variant is present in population databases (rs367631249, ExAC 0.004%). This variant has not been reported in the literature in individuals affected with ALS2-related conditions. Algorithms developed to predict the effect of missense changes on protein structure and function (SIFT, PolyPhen-2, Align-GVGD) all suggest that this variant is likely to be tolerated. In summary, the available evidence is currently insufficient to determine the role of this variant in disease. Therefore, it has been classified as a Variant of Uncertain Significance.

NM_020919.4(ALS2):c.956C>T (p.Ser319Phe)

Gene: ALS2 (alsin Rho guanine nucleotide exchange factor ALS2; minus strand). Cytogenetic location: 2q33.1.
Variant type: single nucleotide variant.
Coding change: c.956C>T on transcript NM_020919.4 (MANE Select); coding-DNA position 956, C replaced by T.
Protein change: p.Ser319Phe; replaces serine 319 with phenylalanine.
Molecular consequence: missense variant.
Genome position (GRCh38, 1-based): chr2:201,761,038, G>A on the plus strand (C>T on the coding strand, the complement: ALS2 is on the minus strand). VCF-style: chr2-201761038-G-A. GRCh37 (hg19) VCF-style: chr2-202625761-G-A.
Other names: c.956C>T, p.Ser319Phe (NM_001135745.2); c.956C>T (NM_020919.3); short protein forms S319F.
Identifiers: ClinVar variation 1051212 (VCV001051212.7), dbSNP rs367631249, ClinGen allele CA2058567.